The following is an entry in ClinVar:

NM_018112.3(TMEM38B):c.799G>A (p.Val267Ile)

Gene: TMEM38B (transmembrane protein 38B; plus strand). Cytogenetic location: 9q31.2.
Variant type: single nucleotide variant.
Coding change: c.799G>A on transcript NM_018112.3 (MANE Select); coding-DNA position 799, G replaced by A.
Protein change: p.Val267Ile; replaces valine 267 with isoleucine.
Molecular consequence: missense variant.
Genome position (GRCh38, 1-based): chr9:105,774,003, G>A. VCF-style: chr9-105774003-G-A. GRCh37 (hg19) VCF-style: chr9-108536284-G-A.
Other names: c.799G>A (NM_018112.1); short protein forms V267I.
Identifiers: ClinVar variation 708103 (VCV000708103.41), dbSNP rs149026877, ClinGen allele CA5171016.

ClinVar aggregate classification (germline): Conflicting classifications of pathogenicity. Review status: criteria provided, conflicting classifications (1 of 4 stars). 7 submissions from 7 submitters: Uncertain significance (1); Benign (1); Likely benign (4). 1 of the submissions does not count toward it. Last evaluated 2026-02-01.

Conditions:
Inborn genetic diseases. Identifiers: MedGen C0950123, MeSH D030342.
Osteogenesis imperfecta type 14. Also called: OI, TYPE XIV; Osteogenesis imperfecta, type xiv. Identifiers: Orphanet 666, MedGen C3554428, MONDO:0014029, OMIM 615066.
TMEM38B-related disorder. Also called: TMEM38B-related condition.

Allele frequency attached by ClinVar (database versions not stated): 1000 Genomes Project 30x 0.00016; TOPMed 0.00126; ESP Exome Variant Server 0.00177; gnomAD 0.00233; gnomAD exomes 0.00274; ExAC 0.00343.

Submissions (7):

Labcorp Genetics (formerly Invitae), Labcorp
Classification: Benign. Last evaluated: 2026-02-01. Review status: criteria provided, single submitter. Criteria: Invitae Variant Classification Sherloc (09022015). Collection method: clinical testing. Allele origin: germline.

CeGaT Center for Human Genetics Tuebingen
Classification: Likely benign. Last evaluated: 2024-04-01. Review status: criteria provided, single submitter. Criteria: CeGaT Center For Human Genetics Tuebingen Variant Classification Criteria Version 2. Collection method: clinical testing. Allele origin: germline. Affected: yes. Observed: 3 variant alleles.
Comment: TMEM38B: BP4, BS2

ARUP Laboratories, Molecular Genetics and Genomics, ARUP Laboratories
Classification: Likely benign for Osteogenesis imperfecta type 14. Last evaluated: 2023-06-28. Review status: criteria provided, single submitter. Criteria: ARUP Molecular Germline Variant Investigation Process 2024. Collection method: clinical testing. Allele origin: germline.

Ambry Genetics
Classification: Uncertain significance for Inborn genetic diseases. Last evaluated: 2021-12-06. Review status: criteria provided, single submitter. Criteria: Ambry Variant Classification Scheme 2023. Collection method: clinical testing. Allele origin: germline.

GeneDx
Classification: Likely benign. Last evaluated: 2021-07-24. Review status: criteria provided, single submitter. Criteria: GeneDx Variant Classification Process June 2021. Collection method: clinical testing. Allele origin: germline. Affected: yes.

Breakthrough Genomics
Classification: Likely benign. Review status: criteria provided, single submitter. Criteria: ACMG Guidelines, 2015. Collection method: not provided. Allele origin: germline. Inheritance: Autosomal recessive inheritance. Affected: yes.

PreventionGenetics, part of Exact Sciences
Classification: Benign for TMEM38B-related condition. Last evaluated: 2019-07-01. Review status: no assertion criteria provided. Collection method: clinical testing. Allele origin: germline. Not counted in ClinVar's aggregate classification.
Comment: This variant is classified as benign based on ACMG/AMP sequence variant interpretation guidelines (Richards et al. 2015 PMID: 25741868, with internal and published modifications).